The following is an entry in ClinVar:

NM_020765.3(UBR4):c.2742A>G (p.Val914=)

Gene: UBR4 (ubiquitin protein ligase E3 component n-recognin 4; minus strand). Cytogenetic location: 1p36.13.
Variant type: single nucleotide variant.
Coding change: c.2742A>G on transcript NM_020765.3 (MANE Select); coding-DNA position 2742, A replaced by G.
Protein change: p.Val914=; no amino-acid change (valine 914 retained).
Molecular consequence: synonymous variant.
Genome position (GRCh38, 1-based): chr1:19,176,623, T>C on the plus strand (A>G on the coding strand, the complement: UBR4 is on the minus strand). VCF-style: chr1-19176623-T-C. GRCh37 (hg19) VCF-style: chr1-19503117-T-C.
Identifiers: ClinVar variation 3037213 (VCV003037213.2), dbSNP rs144957631, ClinGen allele CA651338.

ClinVar aggregate classification (germline): Likely benign (0 of 4 stars; one submission).

Conditions:
UBR4-related disorder. Also called: UBR4-related condition.

Allele frequency attached by ClinVar (database versions not stated): 1000 Genomes Project 30x 0.00125; 1000 Genomes Project 0.00140; gnomAD 0.00147; ExAC 0.00171; TOPMed 0.00184; ESP Exome Variant Server 0.00200.
gnomAD v4.1: 2,703 of 1,614,004 alleles (0.17%); highest among the groups gnomAD compares: Admixed American, 0.36%; 7 homozygotes.

Submission:

PreventionGenetics, part of Exact Sciences
Classification: Likely benign for UBR4-related condition. Last evaluated: 2024-09-05. Review status: no assertion criteria provided. Collection method: clinical testing. Allele origin: germline.
Comment: This variant is classified as likely benign based on ACMG/AMP sequence variant interpretation guidelines (Richards et al. 2015 PMID: 25741868, with internal and published modifications).